The following is an entry in ClinVar:

NM_021956.5(GRIK2):c.2503G>A (p.Val835Ile)

Gene: GRIK2 (glutamate ionotropic receptor kainate type subunit 2; plus strand). Cytogenetic location: 6q16.3.
Variant type: single nucleotide variant.
Coding change: c.2503G>A on transcript NM_021956.5 (MANE Select); coding-DNA position 2503, G replaced by A.
Protein change: p.Val835Ile; replaces valine 835 with isoleucine.
Molecular consequence: missense variant.
Genome position (GRCh38, 1-based): chr6:102,055,521, G>A. VCF-style: chr6-102055521-G-A. GRCh37 (hg19) VCF-style: chr6-102503396-G-A.
Other names: c.2503G>A, p.Val835Ile (NM_001166247.1, NM_175768.3); short protein forms V835I.
Identifiers: ClinVar variation 4077362 (VCV004077362.1).

ClinVar aggregate classification (germline): Uncertain significance (1 of 4 stars; one submission).

Submission:

GeneDx
Classification: Uncertain significance. Last evaluated: 2025-02-28. Review status: criteria provided, single submitter. Criteria: GeneDx Variant Classification Process June 2021. Collection method: clinical testing. Allele origin: germline. Affected: yes.
Comment: Not observed at significant frequency in large population cohorts (gnomAD); In silico analysis indicates that this missense variant does not alter protein structure/function; Has not been previously published as pathogenic or benign to our knowledge